The following is an entry in ClinVar:

NM_000255.4(MMUT):c.1847G>A (p.Arg616His)

Gene: MMUT (methylmalonyl-CoA mutase; minus strand). Cytogenetic location: 6p12.3.
Variant type: single nucleotide variant.
Coding change: c.1847G>A on transcript NM_000255.4 (MANE Select); coding-DNA position 1847, G replaced by A.
Protein change: p.Arg616His; replaces arginine 616 with histidine.
Molecular consequence: missense variant.
Genome position (GRCh38, 1-based): chr6:49,440,315, C>T on the plus strand (G>A on the coding strand, the complement: MMUT is on the minus strand). VCF-style: chr6-49440315-C-T. GRCh37 (hg19) VCF-style: chr6-49408028-C-T.
Other names: short protein forms R616H.
Identifiers: ClinVar variation 1497381 (VCV001497381.3), dbSNP rs1369724342, ClinGen allele CA364395313.

ClinVar aggregate classification (germline): Conflicting classifications of pathogenicity. Review status: criteria provided, conflicting classifications (1 of 4 stars). 2 submissions from 2 submitters: Likely pathogenic (1); Uncertain significance (1). Last evaluated 2023-10-19.

Conditions:
Methylmalonic acidemia (MMA). Also called: Isolated Methylmalonic Acidemia. Identifiers: MedGen C0268583, MeSH C537358, MONDO:0002012, HP:0002912.

Allele frequency attached by ClinVar (database versions not stated): gnomAD exomes below 0.00001.

Submissions (2):

Women's Health and Genetics/Laboratory Corporation of America, LabCorp
Classification: Likely pathogenic for Methylmalonic acidemia. Last evaluated: 2023-10-19. Review status: criteria provided, single submitter. Criteria: LabCorp Variant Classification Summary - May 2015. Collection method: clinical testing. Allele origin: germline.
Comment: Variant summary: MUT c.1847G>A (p.Arg616His) results in a non-conservative amino acid change located in the Cobalamin (vitamin B12)-binding domain (IPR006158) of the encoded protein sequence. This alters a highly conserved residue (HGMD) in which another missense variant (p.Arg616Cys) is classified as pathogenic by our laboratory. Five of five in-silico tools predict a damaging effect of the variant on protein function. The variant allele was found at a frequency of 4e-06 in 251280 control chromosomes (gnomAD). c.1847G>A has been reported in the literature in individuals affected with symptoms of Methylmalonic Acidemia (Yu_2021, Gorukmez_2023). These data indicate that the variant may be associated with disease. To our knowledge, no experimental evidence demonstrating an impact on protein function has been reported. The following publications have been ascertained in the context of this evaluation (PMID: 34668645, 36964972). One submitter has cited a clinical-significance assessment for this variant to ClinVar after 2014 and has classified the variant as uncertain significance. Based on the evidence outlined above, the variant was classified as likely pathogenic.

Labcorp Genetics (formerly Invitae), Labcorp
Classification: Uncertain significance. Last evaluated: 2021-10-21. Review status: criteria provided, single submitter. Criteria: Invitae Variant Classification Sherloc (09022015). Collection method: clinical testing. Allele origin: germline.
Comment: This sequence change replaces arginine, which is basic and polar, with histidine, which is basic and polar, at codon 616 of the MUT protein (p.Arg616His). The frequency data for this variant in the population databases is considered unreliable, as metrics indicate poor data quality at this position in the gnomAD database. This variant has not been reported in the literature in individuals affected with MUT-related conditions. Algorithms developed to predict the effect of missense changes on protein structure and function (SIFT, PolyPhen-2, Align-GVGD) all suggest that this variant is likely to be disruptive. This variant disrupts the p.Arg616 amino acid residue in MUT. Other variant(s) that disrupt this residue have been determined to be pathogenic (PMID: 15781192, 16281286, 20549364, 26790480, 30209273). This suggests that this residue is clinically significant, and that variants that disrupt this residue are likely to be disease-causing. In summary, the available evidence is currently insufficient to determine the role of this variant in disease. Therefore, it has been classified as a Variant of Uncertain Significance.

Literature cited by the submitters: PubMed 34668645 (cited by Women's Health and Genetics/Laboratory Corporation of America, LabCorp); PubMed 36964972 (cited by Women's Health and Genetics/Laboratory Corporation of America, LabCorp); PubMed 15781192 (cited by Labcorp Genetics (formerly Invitae), Labcorp); PubMed 16281286 (cited by Labcorp Genetics (formerly Invitae), Labcorp); PubMed 20549364 (cited by Labcorp Genetics (formerly Invitae), Labcorp); PubMed 26790480 (cited by Labcorp Genetics (formerly Invitae), Labcorp); PubMed 30209273 (cited by Labcorp Genetics (formerly Invitae), Labcorp).